The following is an entry in ClinVar:

NM_004655.4(AXIN2):c.937T>A (p.Ser313Thr)

Gene: AXIN2 (axin 2; minus strand). Cytogenetic location: 17q24.1.
Variant type: single nucleotide variant.
Coding change: c.937T>A on transcript NM_004655.4 (MANE Select); coding-DNA position 937, T replaced by A.
Protein change: p.Ser313Thr; replaces serine 313 with threonine.
Molecular consequence: missense variant.
Genome position (GRCh38, 1-based): chr17:65,549,539, A>T on the plus strand (T>A on the coding strand, the complement: AXIN2 is on the minus strand). VCF-style: chr17-65549539-A-T. GRCh37 (hg19) VCF-style: chr17-63545657-A-T.
Other names: c.937T>A, p.Ser313Thr (NM_001363813.1); short protein forms S313T.
Identifiers: ClinVar variation 3335761 (VCV003335761.1).

ClinVar aggregate classification (germline): Uncertain significance (1 of 4 stars; one submission).

Conditions:
Hereditary cancer-predisposing syndrome. Also called: Neoplastic Syndromes, Hereditary; Tumor predisposition; Hereditary neoplastic syndrome; Hereditary Cancer Syndrome. Identifiers: Orphanet 140162, MedGen C0027672, MeSH D009386, MONDO:0015356.

Submission:

Ambry Genetics
Classification: Uncertain significance for Hereditary cancer-predisposing syndrome. Last evaluated: 2024-05-04. Review status: criteria provided, single submitter. Criteria: Ambry Variant Classification Scheme 2023. Collection method: clinical testing. Allele origin: germline.
Comment: The p.S313T variant (also known as c.937T>A), located in coding exon 2 of the AXIN2 gene, results from a T to A substitution at nucleotide position 937. The serine at codon 313 is replaced by threonine, an amino acid with similar properties. This amino acid position is conserved. In addition, this alteration is predicted to be deleterious by in silico analysis. Based on the available evidence, the clinical significance of this variant remains unclear.